The following is an entry in ClinVar:

ClinVar aggregate classification (germline): Benign. Review status: criteria provided, multiple submitters, no conflicts (2 of 4 stars). 2 submissions from 2 submitters: Benign (2). Last evaluated 2018-01-13.

Conditions:
Essential fructosuria. Also called: HEPATIC FRUCTOKINASE DEFICIENCY; KETOHEXOKINASE DEFICIENCY. Identifiers: Orphanet 2056, MedGen C0268160, MONDO:0009252, OMIM 229800.

Allele frequency attached by ClinVar (database versions not stated): ESP Exome Variant Server 0.35599; TOPMed 0.38284; 1000 Genomes Project 30x 0.33604; gnomAD 0.36411 and 0.36761; ExAC 0.37762; 1000 Genomes Project 0.33147.
gnomAD v4.1: 595,950 of 1,613,034 alleles (37%); highest among the groups gnomAD compares: Admixed American, 58%; 113,460 homozygotes.

Submissions (2):

Illumina Laboratory Services, Illumina
Classification: Benign for Essential fructosuria. Last evaluated: 2018-01-13. Review status: criteria provided, single submitter. Criteria: ICSL Variant Classification Criteria 13 December 2019. Collection method: clinical testing. Allele origin: germline.
Comment: This variant was observed in the ICSL laboratory as part of a predisposition screen in an ostensibly healthy population. It had not been previously curated by ICSL or reported in the Human Gene Mutation Database (HGMD: prior to June 1st, 2018), and was therefore a candidate for classification through an automated scoring system. Utilizing variant allele frequency, disease prevalence and penetrance estimates, and inheritance mode, an automated score was calculated to assess if this variant is too frequent to cause the disease. Based on the score and internal cut-off values, a variant classified as benign is not then subjected to further curation. The score for this variant resulted in a classification of benign for this disease.

Breakthrough Genomics
Classification: Benign. Review status: criteria provided, single submitter. Criteria: ACMG Guidelines, 2015. Collection method: not provided. Allele origin: germline. Inheritance: Autosomal recessive inheritance. Affected: yes.

NM_006488.3(KHK):c.145G>A (p.Val49Ile)

Gene: KHK (ketohexokinase; plus strand). Cytogenetic location: 2p23.3.
Variant type: single nucleotide variant.
Coding change: c.145G>A on transcript NM_006488.3 (MANE Select); coding-DNA position 145, G replaced by A.
Protein change: p.Val49Ile; replaces valine 49 with isoleucine.
Molecular consequence: missense variant.
Genome position (GRCh38, 1-based): chr2:27,092,384, G>A. VCF-style: chr2-27092384-G-A. GRCh37 (hg19) VCF-style: chr2-27315252-G-A.
Other names: c.145G>A, p.Val49Ile (NM_000221.3); short protein forms V49I.
Identifiers: ClinVar variation 335482 (VCV000335482.6), dbSNP rs2304681, ClinGen allele CA1569115.